The following is an entry in ClinVar:

NM_005045.4(RELN):c.1372G>C (p.Glu458Gln)

Genes: RELN (reelin; minus strand), LOC126860131 (MED14-independent group 3 enhancer GRCh37_chr7:103301048-103302247; plus strand). Cytogenetic location: 7q22.1.
Variant type: single nucleotide variant.
Coding change: c.1372G>C on transcript NM_005045.4 (MANE Select); coding-DNA position 1372, G replaced by C.
Protein change: p.Glu458Gln; replaces glutamic acid 458 with glutamine.
Molecular consequence: missense variant.
Genome position (GRCh38, 1-based): chr7:103,661,445, C>G on the plus strand (G>C on the coding strand, the complement: RELN is on the minus strand). VCF-style: chr7-103661445-C-G. GRCh37 (hg19) VCF-style: chr7-103301892-C-G.
Other names: c.1372G>C, p.Glu458Gln (NM_173054.3); short protein forms E458Q.
Identifiers: ClinVar variation 2419750 (VCV002419750.7), dbSNP rs577943317, ClinGen allele CA163948129.

ClinVar aggregate classification (germline): Uncertain significance (1 of 4 stars; one submission).

Conditions:
Familial temporal lobe epilepsy 7. Identifiers: Orphanet 101046, MedGen C4225327, MONDO:0014639, OMIM 616436.
Norman-Roberts syndrome (LIS2). Also called: Lissencephaly 2 (Norman-Roberts type). Identifiers: Orphanet 89844, MedGen C0796089, MONDO:0009760, OMIM 257320.

Allele frequency attached by ClinVar (database versions not stated): TOPMed 0.00001; gnomAD 0.00003.
gnomAD v4.1: 5 of 1,613,710 alleles (0.00031%); highest among the groups gnomAD compares: African/African-American, 0.0053%; no homozygotes.

Submission:

Labcorp Genetics (formerly Invitae), Labcorp
Classification: Uncertain significance for Familial temporal lobe epilepsy 7; Norman-Roberts syndrome. Last evaluated: 2024-01-15. Review status: criteria provided, single submitter. Criteria: Invitae Variant Classification Sherloc (09022015). Collection method: clinical testing. Allele origin: germline.
Comment: This sequence change replaces glutamic acid, which is acidic and polar, with glutamine, which is neutral and polar, at codon 458 of the RELN protein (p.Glu458Gln). This variant is not present in population databases (gnomAD no frequency). This variant has not been reported in the literature in individuals affected with RELN-related conditions. ClinVar contains an entry for this variant (Variation ID: 2419750). Advanced modeling of protein sequence and biophysical properties (such as structural, functional, and spatial information, amino acid conservation, physicochemical variation, residue mobility, and thermodynamic stability) performed at Invitae indicates that this missense variant is not expected to disrupt RELN protein function with a negative predictive value of 80%. In summary, the available evidence is currently insufficient to determine the role of this variant in disease. Therefore, it has been classified as a Variant of Uncertain Significance.